The following is an entry in ClinVar:

ClinVar aggregate classification (germline): Benign/Likely benign. Review status: criteria provided, multiple submitters, no conflicts (2 of 4 stars). 11 submissions from 11 submitters: Benign (1); Likely benign (7). 3 of the submissions do not count toward it. Last evaluated 2026-02-01.

Conditions:
KCNH2-related disorder. Also called: KCNH2-related disorders; KCNH2-related condition.
Cardiac arrhythmia. Also called: Arrhythmia; Cardiac rhythm disease. Identifiers: MedGen C0003811, MONDO:0007263, HP:0011675.
Brugada syndrome. Also called: Sudden unexpected nocturnal death syndrome; Sudden Unexplained Death Syndrome; Sudden Unexplained Nocturnal Death Syndrome (SUNDS); Sudden unexplained nocturnal death syndrome. Identifiers: Orphanet 130, MedGen C1142166, MONDO:0015263.
Short QT syndrome type 1. Identifiers: Orphanet 51083, MedGen C1865020, MONDO:0012312, OMIM 609620.
Long QT syndrome 2 (LQT2). Identifiers: Orphanet 101016, Orphanet 768, MedGen C3150943, MONDO:0013367, OMIM 613688.
Long QT syndrome (LQTS). Identifiers: MedGen C0023976, MeSH D008133, MONDO:0002442. Disease mechanism: loss of function. Inheritance: Various modes of inheritance.
Cardiovascular phenotype. Identifiers: MedGen CN230736.

Allele frequency attached by ClinVar (database versions not stated): ESP Exome Variant Server 0.00031; gnomAD 0.00079 and 0.00082; TOPMed 0.00088; 1000 Genomes Project 30x 0.00094; 1000 Genomes Project 0.00100.
gnomAD v4.1: 287 of 1,613,706 alleles (0.018%); highest among the groups gnomAD compares: African/African-American, 0.26%; 1 homozygote.

Submissions (11):

Labcorp Genetics (formerly Invitae), Labcorp
Classification: Likely benign for Long QT syndrome. Last evaluated: 2026-02-01. Review status: criteria provided, single submitter. Criteria: Invitae Variant Classification Sherloc (09022015). Collection method: clinical testing. Allele origin: germline.

Blueprint Genetics
Classification: Likely benign. Last evaluated: 2024-07-15. Review status: criteria provided, single submitter. Criteria: ACMG Guidelines, 2015. Collection method: clinical testing. Allele origin: germline.

Fulgent Genetics
Classification: Likely benign for Short QT syndrome type 1; Long QT syndrome 2. Last evaluated: 2021-11-08. Review status: criteria provided, single submitter. Criteria: ACMG Guidelines, 2015. Collection method: clinical testing. Allele origin: unknown.

GeneDx
Classification: Likely benign. Last evaluated: 2020-11-17. Review status: criteria provided, single submitter. Criteria: GeneDx Variant Classification Process June 2021. Collection method: clinical testing. Allele origin: germline. Affected: yes.
Comment: Reported in association with Brugada syndrome and hypertrophic cardiomyopathy (Verkerk et al., 2005; Lopes et al., 2015); Also observed in multiple control individuals and individuals who underwent genetic testing for indications unrelated to cardiomyopathy, arrhythmia or a family history of sudden cardiac death (Ackerman et al., 2003; Verkerk et al., 2005; Koo et al., 2006; Kapa et al., 2009; Ng et al., 2013; Ghouse et al., 2016; Van Driest et al., 2016); Reported in ClinVar (ClinVar Variant ID# 67419; Landrum et al., 2016); In silico analysis supports that this missense variant does not alter protein structure/function; This variant is associated with the following publications: (PMID: 32145446, 30821013, 16043162, 22949429, 26746457, 27711072, 19841300, 16487223, 14661677, 23861362, 25351510, 23414114)

Women's Health and Genetics/Laboratory Corporation of America, LabCorp
Classification: Benign. Last evaluated: 2019-03-31. Review status: criteria provided, single submitter. Criteria: LabCorp Variant Classification Summary - May 2015. Collection method: clinical testing. Allele origin: germline.
Comment: Variant summary: KCNH2 c.2617G>A (p.Gly873Ser) results in a non-conservative amino acid change in the encoded protein sequence. Three of five in-silico tools predict a damaging effect of the variant on protein function. The variant allele was found at a frequency of 0.00027 in 278760 control chromosomes (gnomAD and publications), predominantly at a frequency of 0.0023 within the African subpopulation in the gnomAD database. The observed variant frequency within African control individuals in the gnomAD database is approximately 23 fold of the estimated maximal expected allele frequency for a pathogenic variant in KCNH2 causing Arrhythmia phenotype (0.0001), strongly suggesting that the variant is a benign polymorphism found primarily in populations of African origin. Verkerk et al. (2005) reported c.2617G>A in a patient affected with Brugada syndrome and carried out functional assessments to determine the effect of the variant on protein function. A a negative shift of voltage-dependent inactivation resulting in increased rectification was noted and increased transient peak currents of the ventricular action potential were described. These results do not support an association of this finding with the established pathophysiology of disease in LQT2 (decreased rapid delayed rectifier potassium current) and Brugada syndrome (KCNH2 is not widely recognized as a gene causative of Brugada syndrome). Therefore, these findings do not provide unequivocal conclusions about association of the variant with disease. A ClinVar submission from a clinical diagnostic laboratory (evaluation after 2014) cites the variant as likely benign. Based on the evidence outlined above, the variant was classified as benign.

Ambry Genetics
Classification: Likely benign for Cardiovascular phenotype. Last evaluated: 2018-12-26. Review status: criteria provided, single submitter. Criteria: Ambry Variant Classification Scheme 2023. Collection method: clinical testing. Allele origin: germline.

Color Diagnostics, LLC DBA Color Health
Classification: Likely benign for Arrhythmia. Last evaluated: 2018-10-30. Review status: criteria provided, single submitter. Criteria: ACMG Guidelines, 2015. Collection method: clinical testing. Allele origin: germline.

Biesecker Lab/Clinical Genomics Section, National Institutes of Health
Classification: Likely benign for Brugada syndrome. Last evaluated: 2013-06-24. Review status: criteria provided, single submitter. Criteria: Ng et al. (Circ Cardiovasc Genet. 2013). Collection method: research. Allele origin: unknown. Observed: 1 variant allele. Study: ClinSeq.
Comment: The study set was not selected for affection status in relation to any cancer. HGMD phenotype assertion is uncertain. Pathogenicity categories were based on literature curation. See Pubmed ID:23861362 for details.

Medical sequencing

PreventionGenetics, part of Exact Sciences
Classification: Likely benign for KCNH2-related condition. Last evaluated: 2021-11-10. Review status: no assertion criteria provided. Collection method: clinical testing. Allele origin: germline. Not counted in ClinVar's aggregate classification.
Comment: This variant is classified as likely benign based on ACMG/AMP sequence variant interpretation guidelines (Richards et al. 2015 PMID: 25741868, with internal and published modifications).

Cardiovascular Biomedical Research Unit, Royal Brompton & Harefield NHS Foundation Trust
No classification provided. Review status: no classification provided. Collection method: literature only. Allele origin: germline. Not counted in ClinVar's aggregate classification.
Comment: This variant has been reported in the following publications (PMID:16487223;PMID:14661677;PMID:16043162;PMID:19841300).

Department of Pathology and Laboratory Medicine, Sinai Health System
Classification: Likely benign. Review status: no assertion criteria provided. Collection method: clinical testing. Allele origin: unknown. Affected: yes. Study: The Canadian Open Genetics Repository (COGR). Not counted in ClinVar's aggregate classification.
Comment: In a study of 744 apparently healthy individuals, the p.G533S variant was identified in 0.3% of African individuals but was not identified in the Caucasian, Asian or Hispanic individuals (Ackerman_2003_PMID:14661677). Another study identified the variant at a frequency of 0.002 in 265 healthy Chinese individuals (Koo_2006_PMID:16487223). The variant was identified in dbSNP (ID: rs41314354), LOVD 3.0 and ClinVar (classified as likely benign by Invitae, Color and Biesecker Lab/Clinical Genomics Section, National Institutes of Health). The variant was identified in control databases in 74 of 281626 chromosomes at a frequency of 0.0002628 (Genome Aggregation Database March 6, 2019, v2.1.1). The variant was observed in the following populations: African in 57 of 24918 chromosomes (freq: 0.002288), East Asian in 13 of 19928 chromosomes (freq: 0.000652), Latino in 2 of 35424 chromosomes (freq: 0.000056) and European (non-Finnish) in 2 of 128482 chromosomes (freq: 0.000016), but was not observed in the Ashkenazi Jewish, European (Finnish), Other or South Asian populations. The variant occurs outside of the splicing consensus sequence and two of four in silico or computational prediction software programs (SpliceSiteFinder, MaxEntScan, NNSPLICE, GeneSplicer) predict a difference in splicing. The p.Gly533 residue is not conserved in mammals and four out of five computational analyses (PolyPhen-2, SIFT, AlignGVGD, BLOSUM, MutationTaster) do not suggest a high likelihood of impact to the protein; however, this information is not predictive enough to rule out pathogenicity. Functional data suggest that the p.G533S variant may be a modifer of K+ channel function (Verker_2005_PMID:16043162). In summary, based on the above information the clinical significance of this variant cannot be determined with certainty at this time although we would lean towards a more benign role for this variant. This variant is classified as likely benign.

Literature cited by the submitters: PubMed 16487223 (cited by 3 submitters); PubMed 14661677 (cited by 3 submitters); PubMed 16043162 (cited by 3 submitters); PubMed 19841300 (cited by Ambry Genetics and Cardiovascular Biomedical Research Unit, Royal Brompton & Harefield NHS Foundation Trust); PubMed 22949429 (cited by Ambry Genetics); PubMed 27711072 (cited by Ambry Genetics); PubMed 22581653 (cited by Cardiovascular Biomedical Research Unit, Royal Brompton & Harefield NHS Foundation Trust).

NM_000238.4(KCNH2):c.2617G>A (p.Gly873Ser)

Gene: KCNH2 (potassium voltage-gated channel subfamily H member 2; minus strand). Cytogenetic location: 7q36.1.
Variant type: single nucleotide variant.
Coding change: c.2617G>A on transcript NM_000238.4 (MANE Select); coding-DNA position 2617, G replaced by A.
Protein change: p.Gly873Ser; replaces glycine 873 with serine.
Molecular consequence: missense variant.
Genome position (GRCh38, 1-based): chr7:150,948,519, C>T on the plus strand (G>A on the coding strand, the complement: KCNH2 is on the minus strand). VCF-style: chr7-150948519-C-T. GRCh37 (hg19) VCF-style: chr7-150645607-C-T.
Other names: c.1597G>A, p.Gly533Ser (NM_172057.3); c.2617G>A (LRG_288t1); short protein forms G533S, G873S.
Identifiers: ClinVar variation 67419 (VCV000067419.24), dbSNP rs41314354, ClinGen allele CA007051.